The following is an entry in ClinVar:

NM_001939.3(DRP2):c.2014A>G (p.Thr672Ala)

Gene: DRP2 (dystrophin related protein 2; plus strand). Cytogenetic location: Xq22.1.
Variant type: single nucleotide variant.
Coding change: c.2014A>G on transcript NM_001939.3 (MANE Select); coding-DNA position 2014, A replaced by G.
Protein change: p.Thr672Ala; replaces threonine 672 with alanine.
Molecular consequence: missense variant.
Genome position (GRCh38, 1-based): chrX:101,254,461, A>G. VCF-style: chrX-101254461-A-G. GRCh37 (hg19) VCF-style: chrX-100509450-A-G.
Other names: c.1780A>G, p.Thr594Ala (NM_001171184.2); short protein forms T594A, T672A.
Identifiers: ClinVar variation 2629683 (VCV002629683.1), dbSNP rs2520287719, ClinGen allele CA413934224.
Genomic context (GRCh38, chrX:101,254,461, plus strand): 5'-TCCTCTGCCCTGTCTCCTCCTCAGACCACATCCAGTGAGAACATGAGGGACTTTGCCACA[A>G]CCTTAAAGAACAAATTCCGCTCCAAGCATTATTTCAGCAAACACCCTCAGCGAGGTTATC-3'
Protein context (NP_001930.2, residues 662-682): SSENMRDFAT[Thr672Ala]LKNKFRSKHY

ClinVar aggregate classification (germline): Uncertain significance (1 of 4 stars; one submission).

Conditions:
DRP2-related disorder. Also called: DRP2-related condition.

Submission:

PreventionGenetics, part of Exact Sciences
Classification: Uncertain significance for DRP2-related condition. Last evaluated: 2023-01-03. Review status: criteria provided, single submitter. Criteria: ACMG Guidelines, 2015. Collection method: clinical testing. Allele origin: germline.
Comment: The DRP2 c.2014A>G variant is predicted to result in the amino acid substitution p.Thr672Ala. To our knowledge, this variant has not been reported in the literature or in a large population database, indicating this variant is rare. At this time, the clinical significance of this variant is uncertain due to the absence of conclusive functional and genetic evidence.